The following is an entry in ClinVar:

NM_005359.6(SMAD4):c.300G>T (p.Arg100Ser)

Gene: SMAD4 (SMAD family member 4; plus strand). Cytogenetic location: 18q21.2.
Variant type: single nucleotide variant.
Coding change: c.300G>T on transcript NM_005359.6 (MANE Select); coding-DNA position 300, G replaced by T.
Protein change: p.Arg100Ser; replaces arginine 100 with serine.
Molecular consequence: missense variant. On other transcripts: non-coding transcript variant (2).
Genome position (GRCh38, 1-based): chr18:51,048,736, G>T. VCF-style: chr18-51048736-G-T. GRCh37 (hg19) VCF-style: chr18-48575106-G-T.
Other names: c.300G>T, p.Arg100Ser (NM_001407041.1, NM_001407042.1, NM_001407043.1); short protein forms R100S.
Identifiers: ClinVar variation 3238410 (VCV003238410.2), dbSNP rs2144405409.

ClinVar aggregate classification (germline): Uncertain significance (1 of 4 stars; one submission).

Conditions:
Hereditary cancer-predisposing syndrome. Also called: Neoplastic Syndromes, Hereditary; Tumor predisposition; Hereditary neoplastic syndrome; Hereditary Cancer Syndrome. Identifiers: Orphanet 140162, MedGen C0027672, MeSH D009386, MONDO:0015356.
Familial thoracic aortic aneurysm and aortic dissection (TAAD). Also called: Thoracic aortic aneurysms and dissections. Identifiers: Orphanet 91387, MedGen C4707243, MONDO:0019625.

Submission:

Ambry Genetics
Classification: Uncertain significance for Hereditary cancer-predisposing syndrome; Familial thoracic aortic aneurysm and aortic dissection. Last evaluated: 2025-05-20. Review status: criteria provided, single submitter. Criteria: Ambry Variant Classification Scheme 2023. Collection method: clinical testing. Allele origin: germline.
Comment: The p.R100S variant (also known as c.300G>T), located in coding exon 2 of the SMAD4 gene, results from a G to T substitution at nucleotide position 300. The arginine at codon 100 is replaced by serine, an amino acid with dissimilar properties. This amino acid position is highly conserved in available vertebrate species. In addition, this alteration is predicted to be deleterious by in silico analysis. Based on the available evidence, the clinical significance of this variant remains unclear.